The following is an entry in ClinVar:

ClinVar aggregate classification (germline): Uncertain significance. Review status: criteria provided, multiple submitters, no conflicts (2 of 4 stars). 2 submissions from 2 submitters: Uncertain significance (2). Last evaluated 2025-12-11.

Conditions:
Inborn genetic diseases. Identifiers: MedGen C0950123, MeSH D030342.

Allele frequency attached by ClinVar (database versions not stated): TOPMed below 0.00001; ExAC 0.00001; gnomAD exomes 0.00001.
gnomAD v4.1: 5 of 1,610,876 alleles (0.00031%); highest among the groups gnomAD compares: Non-Finnish European, 0.00042%; no homozygotes.

Submissions (2):

Ambry Genetics
Classification: Uncertain significance for Inborn genetic diseases. Last evaluated: 2025-12-11. Review status: criteria provided, single submitter. Criteria: Ambry Variant Classification Scheme 2023. Collection method: clinical testing. Allele origin: germline.
Comment: The c.1903A>G (p.I635V) alteration is located in exon 13 (coding exon 12) of the GRIA4 gene. This alteration results from a A to G substitution at nucleotide position 1903, causing the isoleucine (I) at amino acid position 635 to be replaced by a valine (V). Based on data from gnomAD, the G allele has an overall frequency of 0.002% (4/251064) total alleles studied. The highest observed frequency was 0.004% (4/113494) of European (non-Finnish) alleles. Based on insufficient or conflicting evidence, the clinical significance of this alteration remains unclear.

CeGaT Center for Human Genetics Tuebingen
Classification: Uncertain significance. Last evaluated: 2023-03-01. Review status: criteria provided, single submitter. Criteria: CeGaT Center For Human Genetics Tuebingen Variant Classification Criteria Version 2. Collection method: clinical testing. Allele origin: germline. Affected: yes. Observed: 1 variant allele.

NM_000829.4(GRIA4):c.1903A>G (p.Ile635Val)

Gene: GRIA4 (glutamate ionotropic receptor AMPA type subunit 4; plus strand). Cytogenetic location: 11q22.3.
Variant type: single nucleotide variant.
Coding change: c.1903A>G on transcript NM_000829.4 (MANE Select); coding-DNA position 1903, A replaced by G.
Protein change: p.Ile635Val; replaces isoleucine 635 with valine.
Molecular consequence: missense variant. On other transcripts: non-coding transcript variant (1).
Genome position (GRCh38, 1-based): chr11:105,926,796, A>G. VCF-style: chr11-105926796-A-G. GRCh37 (hg19) VCF-style: chr11-105797522-A-G.
Other names: c.1903A>G (NM_000829.3); c.1903A>G, p.Ile635Val (NM_001077243.3); short protein forms I635V.
Identifiers: ClinVar variation 2498531 (VCV002498531.28), dbSNP rs759459110, ClinGen allele CA6258722.